The following is an entry in ClinVar:

ClinVar aggregate classification (germline): Uncertain significance. Review status: criteria provided, multiple submitters, no conflicts (2 of 4 stars). 4 submissions from 4 submitters: Uncertain significance (3). 1 of the submissions does not count toward it. Last evaluated 2025-08-11.

Conditions:
Hereditary cancer-predisposing syndrome. Also called: Tumor predisposition; Hereditary Cancer Syndrome; Neoplastic Syndromes, Hereditary; Hereditary neoplastic syndrome. Identifiers: Orphanet 140162, MedGen C0027672, MeSH D009386, MONDO:0015356.
Hereditary breast ovarian cancer syndrome. Also called: Breast and ovarian cancer; Hereditary breast and ovarian cancer; Hereditary breast and ovarian cancer syndrome; BRCA1- and BRCA2-Associated Hereditary Breast and Ovarian Cancer; Hereditary breast and ovarian cancer syndrome (HBOC); Hereditary breast and/or ovarian cancer syndrome. Identifiers: Orphanet 145, MedGen C0677776, MeSH D061325, MONDO:0003582. Disease mechanism: loss of function.
Breast-ovarian cancer, familial, susceptibility to, 2 (BROVCA2). Also called: BRCA2 Hereditary Breast and Ovarian Cancer. Identifiers: Orphanet 145, MedGen C2675520, MONDO:0012933, OMIM 612555. Disease mechanism: loss of function.

Allele frequency attached by ClinVar (database versions not stated): TOPMed below 0.00001.
gnomAD v4.1: 3 of 1,613,856 alleles (0.00019%); highest among the groups gnomAD compares: Non-Finnish European, 0.00025%; no homozygotes.

Submissions (4):

Labcorp Genetics (formerly Invitae), Labcorp
Classification: Uncertain significance for Hereditary breast ovarian cancer syndrome. Last evaluated: 2025-08-11. Review status: criteria provided, single submitter. Criteria: Invitae Variant Classification Sherloc (09022015). Collection method: clinical testing. Allele origin: germline.
Comment: This sequence change replaces serine, which is neutral and polar, with cysteine, which is neutral and slightly polar, at codon 3241 of the BRCA2 protein (p.Ser3241Cys). This variant is not present in population databases (gnomAD no frequency). This variant has not been reported in the literature in individuals affected with BRCA2-related conditions. ClinVar contains an entry for this variant (Variation ID: 91533). Invitae Evidence Modeling of protein sequence and biophysical properties (such as structural, functional, and spatial information, amino acid conservation, physicochemical variation, residue mobility, and thermodynamic stability) indicates that this missense variant is not expected to disrupt BRCA2 protein function with a negative predictive value of 95%. In summary, the available evidence is currently insufficient to determine the role of this variant in disease. Therefore, it has been classified as a Variant of Uncertain Significance.

Color Diagnostics, LLC DBA Color Health
Classification: Uncertain significance for Hereditary cancer-predisposing syndrome. Last evaluated: 2025-06-12. Review status: criteria provided, single submitter. Criteria: ACMG Guidelines, 2015. Collection method: clinical testing. Allele origin: germline.
Comment: This missense variant replaces serine with cysteine at codon 3241 of the BRCA2 protein. Computational prediction suggests that this variant may not impact protein structure and function. To our knowledge, functional studies have not been reported for this variant. A multifactorial analysis has reported a likelihood ratio for pathogenicity based on personal and family history of 1.81 from log(LR)=0.2576 for one carrier (PMID: 31853058). This variant has not been identified in the general population by the Genome Aggregation Database (gnomAD). The available evidence is insufficient to determine the role of this variant in disease conclusively. Therefore, this variant is classified as a Variant of Uncertain Significance.

Ambry Genetics
Classification: Uncertain significance for Hereditary cancer-predisposing syndrome. Last evaluated: 2024-08-28. Review status: criteria provided, single submitter. Criteria: Ambry Variant Classification Scheme 2023. Collection method: clinical testing. Allele origin: germline.
Comment: The p.S3241C variant (also known as c.9722C>G or 9950C>G), located in coding exon 26 of the BRCA2 gene, results from a C to G substitution at nucleotide position 9722. The serine at codon 3241 is replaced by cysteine, an amino acid with dissimilar properties. This amino acid position is poorly conserved in available vertebrate species. In addition, this alteration is predicted to be tolerated by in silico analysis. Based on the available evidence, the clinical significance of this variant remains unclear.

Sharing Clinical Reports Project (SCRP)
Classification: Uncertain significance for Breast-ovarian cancer, familial 2. Last evaluated: 2011-09-16. Review status: no assertion criteria provided. Collection method: clinical testing. Allele origin: germline. Not counted in ClinVar's aggregate classification.

Literature cited by the submitters: PubMed 31853058 (cited by Color Diagnostics, LLC DBA Color Health).

NM_000059.4(BRCA2):c.9722C>G (p.Ser3241Cys)

Gene: BRCA2 (BRCA2 DNA repair associated; plus strand). Cytogenetic location: 13q13.1.
Variant type: single nucleotide variant.
Coding change: c.9722C>G on transcript NM_000059.4 (MANE Select); coding-DNA position 9722, C replaced by G.
Protein change: p.Ser3241Cys; replaces serine 3241 with cysteine.
Molecular consequence: missense variant.
Genome position (GRCh38, 1-based): chr13:32,398,235, C>G. VCF-style: chr13-32398235-C-G. GRCh37 (hg19) VCF-style: chr13-32972372-C-G.
Other names: 9950C>G; short protein forms S3241C.
Identifiers: ClinVar variation 91533 (VCV000091533.17), dbSNP rs398122621, ClinGen allele CA026283.
Genomic context (GRCh38, chr13:32,398,235, plus strand): 5'-ATTGTGAGATATATTATCAAAGTCCTTTATCACTTTGTATGGCCAAAAGGAAGTCTGTTT[C>G]CACACCTGTCTCAGCCCAGATGACTTCAAAGTCTTGTAAAGGGGAGAAAGAGATTGATGA-3'
Protein context (NP_000050.3, residues 3231-3251): SLCMAKRKSV[Ser3241Cys]TPVSAQMTSK